The following is an entry in ClinVar:

NM_000051.4(ATM):c.1457A>C (p.Lys486Thr)

Gene: ATM (ATM serine/threonine kinase; plus strand). Cytogenetic location: 11q22.3.
Variant type: single nucleotide variant.
Coding change: c.1457A>C on transcript NM_000051.4 (MANE Select); coding-DNA position 1457, A replaced by C.
Protein change: p.Lys486Thr; replaces lysine 486 with threonine.
Molecular consequence: missense variant.
Genome position (GRCh38, 1-based): chr11:108,250,922, A>C. VCF-style: chr11-108250922-A-C. GRCh37 (hg19) VCF-style: chr11-108121649-A-C.
Other names: c.1457A>C, p.Lys486Thr (NM_001351834.2); short protein forms K486T.
Identifiers: ClinVar variation 2568161 (VCV002568161.2), dbSNP rs2135323430, ClinGen allele CA382534134.

ClinVar aggregate classification (germline): Uncertain significance (1 of 4 stars; one submission).

Conditions:
Hereditary cancer-predisposing syndrome. Also called: Hereditary neoplastic syndrome; Hereditary Cancer Syndrome; Neoplastic Syndromes, Hereditary; Tumor predisposition. Identifiers: Orphanet 140162, MedGen C0027672, MeSH D009386, MONDO:0015356.

Submission:

Ambry Genetics
Classification: Uncertain significance for Hereditary cancer-predisposing syndrome. Last evaluated: 2023-03-24. Review status: criteria provided, single submitter. Criteria: Ambry Variant Classification Scheme 2023. Collection method: clinical testing. Allele origin: germline.
Comment: The p.K486T variant (also known as c.1457A>C), located in coding exon 9 of the ATM gene, results from an A to C substitution at nucleotide position 1457. The lysine at codon 486 is replaced by threonine, an amino acid with similar properties. This amino acid position is conserved. In addition, the in silico prediction for this alteration is inconclusive. Since supporting evidence is limited at this time, the clinical significance of this alteration remains unclear.